The following is an entry in ClinVar:

ClinVar aggregate classification (germline): Benign. Review status: criteria provided, multiple submitters, no conflicts (2 of 4 stars). 6 submissions from 6 submitters: Benign (6). Last evaluated 2026-01-09.

Conditions:
Inborn genetic diseases. Identifiers: MedGen C0950123, MeSH D030342.
Mowat-Wilson syndrome (MOWS). Also called: Classic Mowat-Wilson Syndrome. Identifiers: Orphanet 2152, MedGen C1856113, MONDO:0009341, OMIM 235730.

Allele frequency attached by ClinVar (database versions not stated): TOPMed 0.00012; gnomAD exomes 0.00121 and 0.00242; ExAC 0.00269; gnomAD 0.00078 and 0.00001; 1000 Genomes Project 0.00699; 1000 Genomes Project 30x 0.00656.

Submissions (6):

Labcorp Genetics (formerly Invitae), Labcorp
Classification: Benign for Mowat-Wilson syndrome. Last evaluated: 2026-01-09. Review status: criteria provided, single submitter. Criteria: Invitae Variant Classification Sherloc (09022015). Collection method: clinical testing. Allele origin: germline.

Genome-Nilou Lab
Classification: Benign for Mowat-Wilson syndrome. Last evaluated: 2021-11-07. Review status: criteria provided, single submitter. Criteria: ACMG Guidelines, 2015. Collection method: clinical testing. Allele origin: germline. Affected: no.

Ambry Genetics
Classification: Benign for Inborn genetic diseases. Last evaluated: 2017-09-22. Review status: criteria provided, single submitter. Criteria: Ambry Variant Classification Scheme 2023. Collection method: clinical testing. Allele origin: germline.

Genetic Services Laboratory, University of Chicago
Classification: Benign. Last evaluated: 2016-03-30. Review status: criteria provided, single submitter. Criteria: ACMG Guidelines, 2015. Collection method: clinical testing. Allele origin: germline. Affected: no.

Eurofins Ntd Llc (ga)
Classification: Benign. Last evaluated: 2016-01-11. Review status: criteria provided, single submitter. Criteria: EGL Classification Definitions 2015. Collection method: clinical testing. Allele origin: germline. Observed: 4 variant alleles, 4 heterozygotes.

GeneDx
Classification: Benign. Last evaluated: 2015-07-28. Review status: criteria provided, single submitter. Criteria: GeneDx Variant Classification (06012015). Collection method: clinical testing. Allele origin: germline. Affected: yes.
Comment: This variant is considered likely benign or benign based on one or more of the following criteria: it is a conservative change, it occurs at a poorly conserved position in the protein, it is predicted to be benign by multiple in silico algorithms, and/or has population frequency not consistent with disease.

NM_014795.4(ZEB2):c.2203C>T (p.Pro735Ser)

Gene: ZEB2 (zinc finger E-box binding homeobox 2; minus strand). Cytogenetic location: 2q22.3.
Variant type: single nucleotide variant.
Coding change: c.2203C>T on transcript NM_014795.4 (MANE Select); coding-DNA position 2203, C replaced by T.
Protein change: p.Pro735Ser; replaces proline 735 with serine.
Molecular consequence: missense variant.
Genome position (GRCh38, 1-based): chr2:144,398,984, G>A on the plus strand (C>T on the coding strand, the complement: ZEB2 is on the minus strand). VCF-style: chr2-144398984-G-A. GRCh37 (hg19) VCF-style: chr2-145156551-G-A.
Other names: p.P735S:CCT>TCT; c.2131C>T, p.Pro711Ser (NM_001171653.2); short protein forms P735S, P711S.
Identifiers: ClinVar variation 95629 (VCV000095629.25), dbSNP rs144154908, ClinGen allele CA208540.
Genomic context (GRCh38, chr2:144,398,984, plus strand): 5'-CACAATTCGTAACACTGTTGTGGAGTTCTGCTATAGATGGTGATGTTATGGAGTCCATAG[G>A]TTTTACAGGAGACCTGGGTAATAAAGAGTCTTTTGTGGGAGGGTTACTGTTGGGAGCTAA-3'
Protein context (NP_055610.1, residues 725-745): DSLLPRSPVK[Pro735Ser]MDSITSPSIA